The following is an entry in ClinVar:

ClinVar aggregate classification (germline): Conflicting classifications of pathogenicity. Review status: criteria provided, conflicting classifications (1 of 4 stars). 2 submissions from 2 submitters: Uncertain significance (1); Likely benign (1). Last evaluated 2026-01-22.

Conditions:
Hereditary cancer-predisposing syndrome. Also called: Tumor predisposition; Neoplastic Syndromes, Hereditary; Hereditary Cancer Syndrome; Hereditary neoplastic syndrome. Identifiers: Orphanet 140162, MedGen C0027672, MeSH D009386, MONDO:0015356.

Allele frequency attached by ClinVar (database versions not stated): gnomAD exomes below 0.00001.
gnomAD v4.1: 2 of 1,611,984 alleles (0.00012%); highest among the groups gnomAD compares: Non-Finnish European, 0.00017%; no homozygotes.

Submissions (2):

Ambry Genetics
Classification: Uncertain significance for Hereditary cancer-predisposing syndrome. Last evaluated: 2026-01-22. Review status: criteria provided, single submitter. Criteria: Ambry Variant Classification Scheme 2023. Collection method: clinical testing. Allele origin: germline.
Comment: The c.3131-5C>T intronic variant results from a C to T substitution 5 nucleotides upstream from coding exon 23 in the MSH3 gene. This nucleotide position is not well conserved in available vertebrate species. In silico splice site analysis predicts that this alteration will not have any significant effect on splicing. Based on the available evidence, the clinical significance of this variant remains unclear.

Labcorp Genetics (formerly Invitae), Labcorp
Classification: Likely benign. Last evaluated: 2022-11-10. Review status: criteria provided, single submitter. Criteria: Invitae Variant Classification Sherloc (09022015). Collection method: clinical testing. Allele origin: germline.

NM_002439.5(MSH3):c.3131-5C>T

Gene: MSH3 (mutS homolog 3; plus strand). Cytogenetic location: 5q14.1.
Variant type: single nucleotide variant.
Coding change: c.3131-5C>T on transcript NM_002439.5 (MANE Select); 5 bases into the intron before coding-DNA position 3131, C replaced by T.
Molecular consequence: intron variant.
Genome position (GRCh38, 1-based): chr5:80,873,111, C>T. VCF-style: chr5-80873111-C-T. GRCh37 (hg19) VCF-style: chr5-80168930-C-T.
Other names: c.3131-5C>T (NM_002439.3).
Identifiers: ClinVar variation 766376 (VCV000766376.9), dbSNP rs113581036, ClinGen allele CA915943380.